The following is an entry in ClinVar:

NM_004360.5(CDH1):c.163+7_163+8delinsAA

Gene: CDH1 (cadherin 1; plus strand). Cytogenetic location: 16q22.1.
Variant type: Indel.
Coding change: c.163+7_163+8delinsAA on transcript NM_004360.5 (MANE Select); bases 7 to 8 of the intron after coding-DNA position 163, GC replaced by AA.
Molecular consequence: intron variant.
Genome position (GRCh38, 1-based): chr16:68,738,418-68,738,419, GC replaced by AA. VCF-style: chr16-68738418-GC-AA. GRCh37 (hg19) VCF-style: chr16-68772321-GC-AA.
Other names: c.-1453+7_-1453+8delinsAA (NM_001317185.2); c.-1657+7_-1657+8delinsAA (NM_001317186.2); c.163+7_163+8delinsAA (NM_001317184.2).
Identifiers: ClinVar variation 3378533 (VCV003378533.1).

ClinVar aggregate classification (germline): Likely benign (1 of 4 stars; one submission).

Conditions:
Hereditary diffuse gastric adenocarcinoma (HDGC). Also called: DIFFUSE GASTRIC AND LOBULAR BREAST CANCER SYNDROME. Identifiers: Orphanet 26106, MedGen C1708349, MONDO:0007648, OMIM 137215.

Submission:

Myriad Genetics, Inc.
Classification: Likely benign for Hereditary diffuse gastric adenocarcinoma. Last evaluated: 2024-09-11. Review status: criteria provided, single submitter. Criteria: Myriad Autosomal Dominant, Autosomal Recessive and X-Linked Classification Criteria (2023). Collection method: clinical testing. Allele origin: unknown.
Comment: This variant is considered likely benign. This variant is intronic and is not expected to impact mRNA splicing.